The following is an entry in ClinVar:

ClinVar aggregate classification (germline): Pathogenic. Review status: criteria provided, multiple submitters, no conflicts (2 of 4 stars). 2 submissions from 2 submitters: Pathogenic (2). Last evaluated 2026-06-17.

Conditions:
Hereditary nonpolyposis colorectal neoplasms. Identifiers: MedGen C0009405, MeSH D003123.
Hereditary cancer-predisposing syndrome. Also called: Neoplastic Syndromes, Hereditary; Hereditary neoplastic syndrome; Hereditary Cancer Syndrome; Tumor predisposition. Identifiers: Orphanet 140162, MedGen C0027672, MeSH D009386, MONDO:0015356.

Submissions (2):

Ambry Genetics
Classification: Pathogenic for Hereditary cancer-predisposing syndrome. Last evaluated: 2026-06-17. Review status: criteria provided, single submitter. Criteria: Ambry Variant Classification Scheme 2023. Collection method: clinical testing. Allele origin: germline.
Comment: The c.1223delC pathogenic mutation, located in coding exon 4 of the MSH6 gene, results from a deletion of one nucleotide at nucleotide position 1223, causing a translational frameshift with a predicted alternate stop codon (p.P408Lfs*3). This variant is considered to be rare based on population cohorts in the Genome Aggregation Database (gnomAD). This alteration is expected to result in loss of function by premature protein truncation or nonsense-mediated mRNA decay. As such, this alteration is interpreted as a disease-causing mutation.

Labcorp Genetics (formerly Invitae), Labcorp
Classification: Pathogenic for Hereditary nonpolyposis colorectal neoplasms. Last evaluated: 2017-05-07. Review status: criteria provided, single submitter. Criteria: Invitae Variant Classification Sherloc (09022015). Collection method: clinical testing. Allele origin: germline.
Comment: This sequence change deletes 1 nucleotide from exon 4 of the MSH6 mRNA (c.1223delC), causing a frameshift at codon 408. This creates a premature translational stop signal (p.Pro408Leufs*3) and is expected to result in an absent or disrupted protein product. While this particular variant has not been reported in the literature, loss-of-function variants in MSH6 are known to be pathogenic (PMID: 24362816, 18269114). For these reasons, this variant has been classified as Pathogenic.

Literature cited by the submitters: PubMed 24362816 (cited by Labcorp Genetics (formerly Invitae), Labcorp); PubMed 18269114 (cited by Labcorp Genetics (formerly Invitae), Labcorp).

NM_000179.3(MSH6):c.1223del (p.Pro408fs)

Gene: MSH6 (mutS homolog 6; plus strand). Cytogenetic location: 2p16.3.
Variant type: Deletion.
Coding change: c.1223del on transcript NM_000179.3 (MANE Select); coding-DNA position 1223, one base deleted (C; older notation c.1223delC).
Protein change: p.Pro408fs; shifts the reading frame from proline 408.
Molecular consequence: frameshift variant.
Genome position (GRCh38, 1-based): chr2:47,799,206, C deleted; the last of 2 consecutive C bases (chr2:47,799,205-47,799,206); deleting either gives the same sequence. VCF-style (leftmost placement, unchanged base first): chr2-47799204-TC-T. GRCh37 (hg19) VCF-style: chr2-48026343-TC-T.
Other names: c.1223delC (NM_000179.2); c.833del, p.Pro278fs (NM_001281492.2); c.317del, p.Pro106fs (NM_001281493.2, NM_001281494.2); short protein forms P106fs, P278fs, P408fs.
Identifiers: ClinVar variation 455125 (VCV000455125.8), dbSNP rs1553412649, ClinGen allele CA658655738.
Genomic context (GRCh38, chr2:47,799,204, plus strand): 5'-TCACCCCGATTTTGATGCATCTACACTCTATGTGCCTGAGGATTTCCTCAATTCTTGTAC[TC>T]CTGGGATGAGGAAGTGGTGGCAGATTAAGTCTCAGAACTTTGATCTTGTCATCTGTTACA-3'